The following is an entry in ClinVar:

ClinVar aggregate classification (germline): Conflicting classifications of pathogenicity. Review status: criteria provided, conflicting classifications (1 of 4 stars). 3 submissions from 3 submitters: Uncertain significance (2); Likely benign (1). Last evaluated 2026-06-19.

Conditions:
CEP250-related disorder. Also called: CEP250-related condition.

Allele frequency attached by ClinVar (database versions not stated): ExAC 0.00005; gnomAD exomes 0.00008 and 0.00019; TOPMed 0.00019; gnomAD 0.00022 and 0.00024; ESP Exome Variant Server 0.00023.

Submissions (3):

PreventionGenetics, part of Exact Sciences
Classification: Uncertain significance for CEP250-related condition. Last evaluated: 2026-06-19. Review status: criteria provided, single submitter. Criteria: ACMG Guidelines, 2015. Collection method: clinical testing. Allele origin: germline.
Comment: The CEP250 c.6377C>T variant is predicted to result in the amino acid substitution p.Pro2126Leu. To our knowledge, this variant has not been reported in the literature. This variant is reported in 0.072% of alleles in individuals of African descent in gnomAD. Although we suspect that this variant may be benign, at this time, the clinical significance of this variant is uncertain due to the absence of conclusive functional and genetic evidence.

Blueprint Genetics
Classification: Likely benign. Last evaluated: 2024-10-28. Review status: criteria provided, single submitter. Criteria: ACMG Guidelines, 2015. Collection method: clinical testing. Allele origin: germline.

Labcorp Genetics (formerly Invitae), Labcorp
Classification: Uncertain significance. Last evaluated: 2024-01-03. Review status: criteria provided, single submitter. Criteria: Invitae Variant Classification Sherloc (09022015). Collection method: clinical testing. Allele origin: germline.
Comment: This sequence change replaces proline, which is neutral and non-polar, with leucine, which is neutral and non-polar, at codon 2126 of the CEP250 protein (p.Pro2126Leu). This variant is present in population databases (rs147497691, gnomAD 0.07%). This variant has not been reported in the literature in individuals affected with CEP250-related conditions. ClinVar contains an entry for this variant (Variation ID: 944798). Algorithms developed to predict the effect of missense changes on protein structure and function output the following: SIFT: "Not Available"; PolyPhen-2: "Benign"; Align-GVGD: "Not Available". The leucine amino acid residue is found in multiple mammalian species, which suggests that this missense change does not adversely affect protein function. In summary, the available evidence is currently insufficient to determine the role of this variant in disease. Therefore, it has been classified as a Variant of Uncertain Significance.

NM_007186.6(CEP250):c.6377C>T (p.Pro2126Leu)

Gene: CEP250 (centrosomal protein 250; plus strand). Cytogenetic location: 20q11.22.
Variant type: single nucleotide variant.
Coding change: c.6377C>T on transcript NM_007186.6 (MANE Select); coding-DNA position 6377, C replaced by T.
Protein change: p.Pro2126Leu; replaces proline 2126 with leucine.
Molecular consequence: missense variant.
Genome position (GRCh38, 1-based): chr20:35,504,746, C>T. VCF-style: chr20-35504746-C-T. GRCh37 (hg19) VCF-style: chr20-34092574-C-T.
Other names: c.4481C>T, p.Pro1494Leu (NM_001318219.1); short protein forms P2126L, P1494L.
Identifiers: ClinVar variation 944798 (VCV000944798.7), dbSNP rs147497691, ClinGen allele CA9834052.